The following is an entry in ClinVar:

NM_002354.3(EPCAM):c.697C>G (p.Leu233Val)

Gene: EPCAM (epithelial cell adhesion molecule; plus strand). Cytogenetic location: 2p21.
Variant type: single nucleotide variant.
Coding change: c.697C>G on transcript NM_002354.3 (MANE Select); coding-DNA position 697, C replaced by G.
Protein change: p.Leu233Val; replaces leucine 233 with valine.
Molecular consequence: missense variant.
Genome position (GRCh38, 1-based): chr2:47,379,808, C>G. VCF-style: chr2-47379808-C-G. GRCh37 (hg19) VCF-style: chr2-47606947-C-G.
Other names: short protein forms L233V.
Identifiers: ClinVar variation 1756417 (VCV001756417.3), dbSNP rs1671533365, ClinGen allele CA346724408.

ClinVar aggregate classification (germline): Uncertain significance (1 of 4 stars; one submission).

Conditions:
Hereditary cancer-predisposing syndrome. Also called: Neoplastic Syndromes, Hereditary; Tumor predisposition; Hereditary Cancer Syndrome; Hereditary neoplastic syndrome. Identifiers: Orphanet 140162, MedGen C0027672, MeSH D009386, MONDO:0015356.

Allele frequency attached by ClinVar (database versions not stated): TOPMed below 0.00001.
gnomAD v4.1: 1 of 1,613,722 alleles (0.000062%); highest among the groups gnomAD compares: Non-Finnish European, 0.000085%; no homozygotes.

Submission:

Ambry Genetics
Classification: Uncertain significance for Hereditary cancer-predisposing syndrome. Last evaluated: 2024-08-19. Review status: criteria provided, single submitter. Criteria: Ambry Variant Classification Scheme 2023. Collection method: clinical testing. Allele origin: germline.
Comment: The p.L233V variant (also known as c.697C>G), located in coding exon 7 of the EPCAM gene, results from a C to G substitution at nucleotide position 697. The leucine at codon 233 is replaced by valine, an amino acid with highly similar properties. This amino acid position is conserved. In addition, this alteration is predicted to be tolerated by in silico analysis. Since supporting evidence is limited at this time, the clinical significance of this alteration remains unclear.